The following is an entry in ClinVar:

ClinVar aggregate classification (germline): Uncertain significance (1 of 4 stars; one submission).

Submission:

Labcorp Genetics (formerly Invitae), Labcorp
Classification: Uncertain significance. Last evaluated: 2023-04-09. Review status: criteria provided, single submitter. Criteria: Invitae Variant Classification Sherloc (09022015). Collection method: clinical testing. Allele origin: germline.
Comment: This sequence change replaces aspartic acid, which is acidic and polar, with tyrosine, which is neutral and polar, at codon 2189 of the HIVEP2 protein (p.Asp2189Tyr). This variant is not present in population databases (gnomAD no frequency). This variant has not been reported in the literature in individuals affected with HIVEP2-related conditions. An algorithm developed to predict the effect of missense changes on protein structure and function (PolyPhen-2) suggests that this variant is likely to be disruptive. In summary, the available evidence is currently insufficient to determine the role of this variant in disease. Therefore, it has been classified as a Variant of Uncertain Significance.

NM_006734.4(HIVEP2):c.6565G>T (p.Asp2189Tyr)

Gene: HIVEP2 (HIVEP zinc finger 2; minus strand). Cytogenetic location: 6q24.2.
Variant type: single nucleotide variant.
Coding change: c.6565G>T on transcript NM_006734.4 (MANE Select); coding-DNA position 6565, G replaced by T.
Protein change: p.Asp2189Tyr; replaces aspartic acid 2189 with tyrosine.
Molecular consequence: missense variant.
Genome position (GRCh38, 1-based): chr6:142,753,883, C>A on the plus strand (G>T on the coding strand, the complement: HIVEP2 is on the minus strand). VCF-style: chr6-142753883-C-A. GRCh37 (hg19) VCF-style: chr6-143075020-C-A.
Other names: short protein forms D2189Y.
Identifiers: ClinVar variation 2854401 (VCV002854401.3), dbSNP rs2482736094, ClinGen allele CA365942216.